The following is an entry in ClinVar:

ClinVar aggregate classification (germline): Uncertain significance. Review status: criteria provided, multiple submitters, no conflicts (2 of 4 stars). 3 submissions from 3 submitters: Uncertain significance (2). 1 of the submissions does not count toward it. Last evaluated 2022-08-23.

Conditions:
Mucopolysaccharidosis, MPS-III-A (MPS3A). Also called: mucopolysaccharidosis type 3A; MPS IIIA (Sanfilippo Syndrome Type A); HEPARAN SULFATE SULFATASE DEFICIENCY; MUCOPOLYSACCHARIDOSIS, TYPE IIIA, ATTENUATED; Mucopolysaccharidosis type IIIA (Sanfilippo A); Mucopolysaccharidosis, type IIIA. Identifiers: Orphanet 581, Orphanet 79269, MedGen C0086647, MONDO:0009655, OMIM 252900.

Allele frequency attached by ClinVar (database versions not stated): gnomAD exomes below 0.00001 and 0.00001; ExAC 0.00001; gnomAD 0.00001; TOPMed 0.00002.

Submissions (3):

Labcorp Genetics (formerly Invitae), Labcorp
Classification: Uncertain significance for Mucopolysaccharidosis, MPS-III-A. Last evaluated: 2022-08-23. Review status: criteria provided, single submitter. Criteria: Invitae Variant Classification Sherloc (09022015). Collection method: clinical testing. Allele origin: germline.
Comment: This sequence change replaces tyrosine, which is neutral and polar, with histidine, which is basic and polar, at codon 424 of the SGSH protein (p.Tyr424His). This variant is present in population databases (rs766657191, gnomAD 0.01%). This variant has not been reported in the literature in individuals affected with SGSH-related conditions. ClinVar contains an entry for this variant (Variation ID: 1039344). Advanced modeling of protein sequence and biophysical properties (such as structural, functional, and spatial information, amino acid conservation, physicochemical variation, residue mobility, and thermodynamic stability) performed at Invitae indicates that this missense variant is expected to disrupt SGSH protein function. In summary, the available evidence is currently insufficient to determine the role of this variant in disease. Therefore, it has been classified as a Variant of Uncertain Significance.

Genome-Nilou Lab
Classification: Uncertain significance for Mucopolysaccharidosis, MPS-III-A. Last evaluated: 2021-11-07. Review status: criteria provided, single submitter. Criteria: ACMG Guidelines, 2015. Collection method: clinical testing. Allele origin: germline. Affected: no.

Natera, Inc.
Classification: Uncertain significance for Mucopolysaccharidosis type IIIA. Last evaluated: 2020-04-20. Review status: no assertion criteria provided. Collection method: clinical testing. Allele origin: germline. Not counted in ClinVar's aggregate classification.

NM_000199.5(SGSH):c.1270T>C (p.Tyr424His)

Gene: SGSH (N-sulfoglucosamine sulfohydrolase; minus strand). Cytogenetic location: 17q25.3.
Variant type: single nucleotide variant.
Coding change: c.1270T>C on transcript NM_000199.5 (MANE Select); coding-DNA position 1270, T replaced by C.
Protein change: p.Tyr424His; replaces tyrosine 424 with histidine.
Molecular consequence: missense variant. On other transcripts: 3 prime UTR variant (2), non-coding transcript variant (1).
Genome position (GRCh38, 1-based): chr17:80,210,691, A>G on the plus strand (T>C on the coding strand, the complement: SGSH is on the minus strand). VCF-style: chr17-80210691-A-G. GRCh37 (hg19) VCF-style: chr17-78184490-A-G.
Other names: c.*357T>C (NM_001352921.3); c.*320T>C (NM_001352922.2); short protein forms Y424H.
Identifiers: ClinVar variation 1039344 (VCV001039344.12), dbSNP rs766657191, ClinGen allele CA8817631.